The following is an entry in ClinVar:

NM_006618.5(KDM5B):c.2859A>T (p.Ala953=)

Gene: KDM5B (lysine demethylase 5B; minus strand). Cytogenetic location: 1q32.1.
Variant type: single nucleotide variant.
Coding change: c.2859A>T on transcript NM_006618.5 (MANE Select); coding-DNA position 2859, A replaced by T.
Protein change: p.Ala953=; no amino-acid change (alanine 953 retained).
Molecular consequence: synonymous variant.
Genome position (GRCh38, 1-based): chr1:202,741,453, T>A on the plus strand (A>T on the coding strand, the complement: KDM5B is on the minus strand). VCF-style: chr1-202741453-T-A. GRCh37 (hg19) VCF-style: chr1-202710581-T-A.
Other names: c.2967A>T, p.Ala989= (NM_001314042.2); c.2724A>T, p.Ala908= (NM_001347591.2); c.2844A>T, p.Ala948= (NM_001399817.1).
Identifiers: ClinVar variation 3032594 (VCV003032594.2), dbSNP rs148148173, ClinGen allele CA1334340.

ClinVar aggregate classification (germline): Likely benign (0 of 4 stars; one submission).

Conditions:
KDM5B-related disorder. Also called: KDM5B-related condition.

Allele frequency attached by ClinVar (database versions not stated): gnomAD exomes 0.00002; ExAC 0.00003; ESP Exome Variant Server 0.00008; 1000 Genomes Project 30x 0.00016; 1000 Genomes Project 0.00020; gnomAD 0.00022; TOPMed 0.00028.
gnomAD v4.1: 66 of 1,612,850 alleles (0.0041%); highest among the groups gnomAD compares: African/African-American, 0.085%; no homozygotes.

Submission:

PreventionGenetics, part of Exact Sciences
Classification: Likely benign for KDM5B-related condition. Last evaluated: 2021-08-24. Review status: no assertion criteria provided. Collection method: clinical testing. Allele origin: germline.
Comment: This variant is classified as likely benign based on ACMG/AMP sequence variant interpretation guidelines (Richards et al. 2015 PMID: 25741868, with internal and published modifications).